The following is an entry in ClinVar:

NC_000018.10:g.(?_51030213)_(51078467_?)del

Gene: SMAD4 (SMAD family member 4; plus strand). Cytogenetic location: 18q21.2.
Variant type: Deletion.
Identifiers: ClinVar variation 831568 (VCV000831568.6).

ClinVar aggregate classification (germline): Pathogenic. Review status: criteria provided, single submitter (1 of 4 stars). 2 submissions from 1 submitter: Pathogenic (2). Last evaluated 2023-06-14.

Conditions:
Generalized juvenile polyposis/juvenile polyposis coli. Also called: Juvenile polyposis coli. Identifiers: Orphanet 329971, MedGen C1868081, MONDO:0008276.
Juvenile polyposis syndrome (JPS). Identifiers: Orphanet 2929, MedGen C0345893, MONDO:0017380, OMIM 174900.

Submissions (2):

Labcorp Genetics (formerly Invitae), Labcorp
Classification: Pathogenic for Juvenile polyposis syndrome. Last evaluated: 2023-06-14. Review status: criteria provided, single submitter. Criteria: Invitae Variant Classification Sherloc (09022015). Collection method: clinical testing. Allele origin: unknown.
Comment: For these reasons, this variant has been classified as Pathogenic. A similar copy number variant has been observed in individual(s) with juvenile polyposis syndrome (PMID: 17873119). A gross deletion of the genomic region encompassing the full coding sequence of the SMAD4 gene has been identified. Loss-of-function variants in SMAD4 are known to be pathogenic (PMID: 16152648, 16436638, 22810475). The boundaries of this event are unknown as they extend beyond the assayed region for this gene and therefore may encompass additional genes.

Labcorp Genetics (formerly Invitae), Labcorp
Classification: Pathogenic for Juvenile polyposis syndrome. Last evaluated: 2019-11-01. Review status: criteria provided, single submitter. Criteria: Invitae Variant Classification Sherloc (09022015). Collection method: clinical testing. Allele origin: germline.
Comment: A gross deletion of the genomic region encompassing the full coding sequence of the SMAD4 gene has been identified. The boundaries of this event are unknown as the deletion extends beyond the assayed region for this gene and therefore may encompass additional genes. Entire gene deletions of SMAD4 have been observed in several individuals affected with juvenile polyposis syndrome (PMID: 17873119). Loss-of-function variants in SMAD4 are known to be pathogenic (PMID: 16152648, 16436638, 22810475). For these reasons, this variant has been classified as Pathogenic.

Literature cited by the submitters: PubMed 17873119; PubMed 16152648; PubMed 16436638; PubMed 22810475.